The following is an entry in ClinVar:

NM_000436.4(OXCT1):c.803G>A (p.Arg268His)

Gene: OXCT1 (3-oxoacid CoA-transferase 1; minus strand). Cytogenetic location: 5p13.1.
Variant type: single nucleotide variant.
Coding change: c.803G>A on transcript NM_000436.4 (MANE Select); coding-DNA position 803, G replaced by A.
Protein change: p.Arg268His; replaces arginine 268 with histidine.
Molecular consequence: missense variant. On other transcripts: non-coding transcript variant (1).
Genome position (GRCh38, 1-based): chr5:41,807,368, C>T on the plus strand (G>A on the coding strand, the complement: OXCT1 is on the minus strand). VCF-style: chr5-41807368-C-T. GRCh37 (hg19) VCF-style: chr5-41807470-C-T.
Other names: c.824G>A, p.Arg275His (NM_001364299.2, NM_001364300.2); c.797G>A, p.Arg266His (NM_001364301.2); c.803G>A, p.Arg268His (NM_001364302.2); c.245G>A, p.Arg82His (NM_001364303.2); short protein forms R266H, R268H, R275H, R82H.
Identifiers: ClinVar variation 1071420 (VCV001071420.7), dbSNP rs2112279054, ClinGen allele CA359626645.

ClinVar aggregate classification (germline): Pathogenic (1 of 4 stars; one submission).

Conditions:
Succinyl-CoA acetoacetate transferase deficiency (SCOTD). Also called: 3-Oxoacid CoA Transferase Deficiency; SCOT DEFICIENCY; SUCCINYL-CoA:3-KETOACID CoA-TRANSFERASE DEFICIENCY; Succinyl CoA:3-oxoacid CoA transferase deficiency; KETOACIDOSIS DUE TO SCOT DEFICIENCY. Identifiers: Orphanet 832, MedGen C0342792, MONDO:0009492, OMIM 245050.

Allele frequency attached by ClinVar (database versions not stated): gnomAD exomes below 0.00001.
gnomAD v4.1: 3 of 1,599,614 alleles (0.00019%); highest among the groups gnomAD compares: Non-Finnish European, 0.00026%; no homozygotes.

Submission:

Labcorp Genetics (formerly Invitae), Labcorp
Classification: Pathogenic for Succinyl-CoA acetoacetate transferase deficiency. Last evaluated: 2023-10-03. Review status: criteria provided, single submitter. Criteria: Invitae Variant Classification Sherloc (09022015). Collection method: clinical testing. Allele origin: germline.
Comment: This sequence change replaces arginine, which is basic and polar, with histidine, which is basic and polar, at codon 268 of the OXCT1 protein (p.Arg268His). This variant is not present in population databases (gnomAD no frequency). This missense change has been observed in individual(s) with succinyl CoA:3-oxoacid CoA transferase deficiency (PMID: 17706444; Invitae). In at least one individual the data is consistent with being in trans (on the opposite chromosome) from a pathogenic variant. It has also been observed to segregate with disease in related individuals. ClinVar contains an entry for this variant (Variation ID: 1071420). Advanced modeling of protein sequence and biophysical properties (such as structural, functional, and spatial information, amino acid conservation, physicochemical variation, residue mobility, and thermodynamic stability) performed at Invitae indicates that this missense variant is expected to disrupt OXCT1 protein function. Experimental studies have shown that this missense change affects OXCT1 function (PMID: 17706444). For these reasons, this variant has been classified as Pathogenic.

Literature cited by the submitters: PubMed 17706444.